The following is an entry in ClinVar:

ClinVar aggregate classification (germline): Uncertain significance (1 of 4 stars; one submission).

Submission:

Labcorp Genetics (formerly Invitae), Labcorp
Classification: Uncertain significance. Last evaluated: 2022-08-03. Review status: criteria provided, single submitter. Criteria: Invitae Variant Classification Sherloc (09022015). Collection method: clinical testing. Allele origin: germline.
Comment: This variant has not been reported in the literature in individuals affected with NFKB1-related conditions. This sequence change replaces valine, which is neutral and non-polar, with methionine, which is neutral and non-polar, at codon 263 of the NFKB1 protein (p.Val263Met). This variant is not present in population databases (gnomAD no frequency). Algorithms developed to predict the effect of missense changes on protein structure and function are either unavailable or do not agree on the potential impact of this missense change (SIFT: "Deleterious"; PolyPhen-2: "Probably Damaging"; Align-GVGD: "Class C15"). In summary, the available evidence is currently insufficient to determine the role of this variant in disease. Therefore, it has been classified as a Variant of Uncertain Significance.

NM_003998.4(NFKB1):c.787G>A (p.Val263Met)

Gene: NFKB1 (nuclear factor kappa B subunit 1; plus strand). Cytogenetic location: 4q24.
Variant type: single nucleotide variant.
Coding change: c.787G>A on transcript NM_003998.4 (MANE Select); coding-DNA position 787, G replaced by A.
Protein change: p.Val263Met; replaces valine 263 with methionine.
Molecular consequence: missense variant.
Genome position (GRCh38, 1-based): chr4:102,580,591, G>A. VCF-style: chr4-102580591-G-A. GRCh37 (hg19) VCF-style: chr4-103501748-G-A.
Other names: c.784G>A, p.Val262Met (NM_001165412.2, NM_001319226.2, NM_001382627.1); c.787G>A, p.Val263Met (NM_001382625.1, NM_001382626.1); c.745G>A, p.Val249Met (NM_001382628.1); short protein forms V249M, V262M, V263M.
Identifiers: ClinVar variation 1714883 (VCV001714883.5), dbSNP rs2476425544, ClinGen allele CA357960076.